The following is an entry in ClinVar:

NM_000069.3(CACNA1S):c.3255+1G>C

Gene: CACNA1S (calcium voltage-gated channel subunit alpha1 S; minus strand). Cytogenetic location: 1q32.1.
Variant type: single nucleotide variant.
Coding change: c.3255+1G>C on transcript NM_000069.3 (MANE Select); the canonical splice donor site of the intron after coding-DNA position 3255, G replaced by C.
Molecular consequence: splice donor variant.
Genome position (GRCh38, 1-based): chr1:201,061,266, C>G on the plus strand (G>C on the coding strand, the complement: CACNA1S is on the minus strand). VCF-style: chr1-201061266-C-G. GRCh37 (hg19) VCF-style: chr1-201030394-C-G.
Identifiers: ClinVar variation 3386333 (VCV003386333.1).

ClinVar aggregate classification (germline): Uncertain significance (1 of 4 stars; one submission).

Conditions:
Malignant hyperthermia, susceptibility to, 5 (MHS5). Also called: CACNA1S-Related Malignant Hyperthermia Susceptibility. Identifiers: Orphanet 423, MedGen C1866077, MONDO:0011163, OMIM 601887.

gnomAD v4.1: 1 of 1,614,066 alleles (0.000062%); highest among the groups gnomAD compares: Admixed American, 0.0017%; no homozygotes.

Submission:

All of Us Research Program, National Institutes of Health
Classification: Uncertain significance for Malignant hyperthermia, susceptibility to, 5. Last evaluated: 2024-04-10. Review status: criteria provided, single submitter. Criteria: ACMG Guidelines, 2015. Collection method: clinical testing. Allele origin: germline. Inheritance: Autosomal dominant inheritance. Observed: 1 variant allele, 1 heterozygote.
Comment: This study involves interpretation of variants in research participants for the purpose of population health screening. Participant phenotype was not available at the time of variant classification. Additional details can be found in publication PMID: 35346344, PMCID: PMC8962531